The following is an entry in ClinVar:

NM_015512.5(DNAH1):c.12659A>G (p.Lys4220Arg)

Gene: DNAH1 (dynein axonemal heavy chain 1; plus strand). Cytogenetic location: 3p21.1.
Variant type: single nucleotide variant.
Coding change: c.12659A>G on transcript NM_015512.5 (MANE Select); coding-DNA position 12659, A replaced by G.
Protein change: p.Lys4220Arg; replaces lysine 4220 with arginine.
Molecular consequence: missense variant.
Genome position (GRCh38, 1-based): chr3:52,399,762, A>G. VCF-style: chr3-52399762-A-G. GRCh37 (hg19) VCF-style: chr3-52433778-A-G.
Other names: short protein forms K4220R.
Identifiers: ClinVar variation 2193904 (VCV002193904.4), dbSNP rs1339409993, ClinGen allele CA353088412.

ClinVar aggregate classification (germline): Uncertain significance (1 of 4 stars; one submission).

Conditions:
Ciliary dyskinesia, primary, 37 (CILD37). Also called: CILIARY DYSKINESIA, PRIMARY, 37, WITH OR WITHOUT SITUS INVERSUS. Identifiers: MedGen C4539798, MONDO:0033204, OMIM 617577.
Spermatogenic failure 18. Identifiers: MedGen C4539783, MONDO:0054615, OMIM 617576.

Allele frequency attached by ClinVar (database versions not stated): gnomAD exomes below 0.00001; TOPMed 0.00001.
gnomAD v4.1: 5 of 1,613,804 alleles (0.00031%); highest among the groups gnomAD compares: South Asian, 0.0022%; no homozygotes.

Submission:

Labcorp Genetics (formerly Invitae), Labcorp
Classification: Uncertain significance for Ciliary dyskinesia, primary, 37; Spermatogenic failure 18. Last evaluated: 2022-06-01. Review status: criteria provided, single submitter. Criteria: Invitae Variant Classification Sherloc (09022015). Collection method: clinical testing. Allele origin: germline.
Comment: This sequence change replaces lysine, which is basic and polar, with arginine, which is basic and polar, at codon 4220 of the DNAH1 protein (p.Lys4220Arg). This variant is not present in population databases (gnomAD no frequency). This variant has not been reported in the literature in individuals affected with DNAH1-related conditions. Algorithms developed to predict the effect of missense changes on protein structure and function are either unavailable or do not agree on the potential impact of this missense change (SIFT: "Deleterious"; PolyPhen-2: "Probably Damaging"; Align-GVGD: "Class C0"). In summary, the available evidence is currently insufficient to determine the role of this variant in disease. Therefore, it has been classified as a Variant of Uncertain Significance.